The following is an entry in ClinVar:

ClinVar aggregate classification (germline): Uncertain significance (1 of 4 stars; one submission).

Conditions:
Aortic aneurysm, familial thoracic 4 (AAT4). Also called: AORTIC ANEURYSM/AORTIC DISSECTION AND PATENT DUCTUS ARTERIOSUS. Identifiers: MedGen C1851504, MONDO:0007568, OMIM 132900.

Submission:

Labcorp Genetics (formerly Invitae), Labcorp
Classification: Uncertain significance for Aortic aneurysm, familial thoracic 4. Last evaluated: 2023-12-22. Review status: criteria provided, single submitter. Criteria: Invitae Variant Classification Sherloc (09022015). Collection method: clinical testing. Allele origin: germline.
Comment: This sequence change replaces asparagine, which is neutral and polar, with lysine, which is basic and polar, at codon 897 of the MYH11 protein (p.Asn897Lys). This variant is not present in population databases (gnomAD no frequency). This variant has not been reported in the literature in individuals affected with MYH11-related conditions. Advanced modeling of protein sequence and biophysical properties (such as structural, functional, and spatial information, amino acid conservation, physicochemical variation, residue mobility, and thermodynamic stability) performed at Invitae indicates that this missense variant is not expected to disrupt MYH11 protein function with a negative predictive value of 95%. In summary, the available evidence is currently insufficient to determine the role of this variant in disease. Therefore, it has been classified as a Variant of Uncertain Significance.

NM_002474.3(MYH11):c.2670C>A (p.Asn890Lys)

Gene: MYH11 (myosin heavy chain 11; minus strand). Cytogenetic location: 16p13.11.
Variant type: single nucleotide variant.
Coding change: c.2670C>A on transcript NM_002474.3 (MANE Select); coding-DNA position 2670, C replaced by A.
Protein change: p.Asn890Lys; replaces asparagine 890 with lysine.
Molecular consequence: missense variant.
Genome position (GRCh38, 1-based): chr16:15,741,652, G>T on the plus strand (C>A on the coding strand, the complement: MYH11 is on the minus strand). VCF-style: chr16-15741652-G-T. GRCh37 (hg19) VCF-style: chr16-15835509-G-T.
Other names: c.2691C>A, p.Asn897Lys (NM_001040113.2, NM_001040114.2); c.2670C>A, p.Asn890Lys (NM_022844.3); short protein forms N890K, N897K.
Identifiers: ClinVar variation 2762494 (VCV002762494.3), dbSNP rs1596763358, ClinGen allele CA394865830.